The following is an entry in ClinVar:

NM_004329.3(BMPR1A):c.1000T>C (p.Leu334=)

Gene: BMPR1A (bone morphogenetic protein receptor type 1A; plus strand). Cytogenetic location: 10q23.2.
Variant type: single nucleotide variant.
Coding change: c.1000T>C on transcript NM_004329.3 (MANE Select); coding-DNA position 1000, T replaced by C.
Protein change: p.Leu334=; no amino-acid change (leucine 334 retained).
Molecular consequence: synonymous variant.
Genome position (GRCh38, 1-based): chr10:86,919,303, T>C. VCF-style: chr10-86919303-T-C. GRCh37 (hg19) VCF-style: chr10-88679060-T-C.
Identifiers: ClinVar variation 460470 (VCV000460470.16), dbSNP rs749873461, ClinGen allele CA470372954.

ClinVar aggregate classification (germline): Benign/Likely benign. Review status: criteria provided, multiple submitters, no conflicts (2 of 4 stars). 4 submissions from 4 submitters: Benign (1); Likely benign (3). Last evaluated 2025-12-05.

Conditions:
Juvenile polyposis syndrome (JPS). Identifiers: Orphanet 2929, MedGen C0345893, MONDO:0017380, OMIM 174900.
Hereditary cancer-predisposing syndrome. Also called: Hereditary neoplastic syndrome; Neoplastic Syndromes, Hereditary; Tumor predisposition; Hereditary Cancer Syndrome. Identifiers: Orphanet 140162, MedGen C0027672, MeSH D009386, MONDO:0015356.

Submissions (4):

Labcorp Genetics (formerly Invitae), Labcorp
Classification: Likely benign for Juvenile polyposis syndrome. Last evaluated: 2025-12-05. Review status: criteria provided, single submitter. Criteria: Invitae Variant Classification Sherloc (09022015). Collection method: clinical testing. Allele origin: germline.

Myriad Genetics, Inc.
Classification: Benign for Juvenile polyposis syndrome. Last evaluated: 2024-08-05. Review status: criteria provided, single submitter. Criteria: Myriad Autosomal Dominant, Autosomal Recessive and X-Linked Classification Criteria (2023). Collection method: clinical testing. Allele origin: unknown.
Comment: This variant is considered benign. This variant is a silent/synonymous amino acid change and it is not expected to impact splicing.

All of Us Research Program, National Institutes of Health
Classification: Likely benign for Juvenile polyposis syndrome. Last evaluated: 2023-06-26. Review status: criteria provided, single submitter. Criteria: ACMG Guidelines, 2015. Collection method: clinical testing. Allele origin: germline. Inheritance: Autosomal dominant inheritance. Observed: 1 variant allele, 1 heterozygote.
Comment: This study involves interpretation of variants in research participants for the purpose of population health screening. Participant phenotype was not available at the time of variant classification. Additional details can be found in publication PMID: 35346344, PMCID: PMC8962531

Ambry Genetics
Classification: Likely benign for Hereditary cancer-predisposing syndrome. Last evaluated: 2020-12-16. Review status: criteria provided, single submitter. Criteria: Ambry Variant Classification Scheme 2023. Collection method: clinical testing. Allele origin: germline.